The following is an entry in ClinVar:

ClinVar aggregate classification (germline): Benign/Likely benign. Review status: criteria provided, multiple submitters, no conflicts (2 of 4 stars). 2 submissions from 2 submitters: Benign (1); Likely benign (1). Last evaluated 2025-02-16.

Conditions:
Leigh syndrome (NULS). Also called: Leigh's necrotizing encephalopathy; Leigh's disease; Leigh Syndrome (mtDNA deletion); Leigh Disease; Subacute necrotizing encephalopathy; Necrotizing encephalopathy infantile subacute of Leigh. Identifiers: Orphanet 506, MedGen C2931891, MONDO:0009723, OMIM 256000.

Submissions (2):

Laboratory of Genetics, Children's Clinical University Hospital Latvia
Classification: Likely benign. Last evaluated: 2025-02-16. Review status: criteria provided, single submitter. Criteria: ACMG Guidelines, 2015. Collection method: clinical testing. Allele origin: germline. Affected: yes.

Wong Mito Lab, Molecular and Human Genetics, Baylor College of Medicine
Classification: Benign for Leigh syndrome. Last evaluated: 2019-10-17. Review status: criteria provided, single submitter. Criteria: Modified ACMG Guidelines (Unpublished). Collection method: clinical testing. Allele origin: germline.
Comment: The NC_012920.1:m.7697G>A (YP_003024029.1:p.Val38Ile) variant in MTCO2 gene is interpretated to be a Benign variant based on the modified ACMG guidelines (unpublished). This variant meets the following evidence codes: BS1, BS2

NC_012920.1(MT-CO2):m.7697G>A

Gene: MT-CO2 (mitochondrially encoded cytochrome c oxidase II; plus strand).
Variant type: single nucleotide variant.
Genome position: chrM-7697-G-A.
Identifiers: ClinVar variation 692762 (VCV000692762.2), dbSNP rs879212765, ClinGen allele CA337097689.